The following is an entry in ClinVar:

ClinVar aggregate classification (germline): Pathogenic. Review status: criteria provided, single submitter (1 of 4 stars). 2 submissions from 2 submitters: Pathogenic (1). 1 of the submissions does not count toward it. Last evaluated 2023-05-02.

Conditions:
Familial hemophagocytic lymphohistiocytosis 3 (FHL3). Also called: UNC13D-Related Familial Hemophagocytic Lymphohistiocytosis (UNC13D-fHLH). Identifiers: Orphanet 540, MedGen C1837174, MONDO:0012146, OMIM 608898.

Allele frequency attached by ClinVar (database versions not stated): gnomAD exomes below 0.00001.
gnomAD v4.1: 1 of 1,563,318 alleles (0.000064%); highest among the groups gnomAD compares: Non-Finnish European, 0.000087%; no homozygotes.

Submissions (2):

Labcorp Genetics (formerly Invitae), Labcorp
Classification: Pathogenic for Familial hemophagocytic lymphohistiocytosis 3. Last evaluated: 2023-05-02. Review status: criteria provided, single submitter. Criteria: Invitae Variant Classification Sherloc (09022015). Collection method: clinical testing. Allele origin: germline.
Comment: For these reasons, this variant has been classified as Pathogenic. Algorithms developed to predict the effect of sequence changes on RNA splicing suggest that this variant may disrupt the consensus splice site. ClinVar contains an entry for this variant (Variation ID: 440834). Disruption of this splice site has been observed in individual(s) with hemophagocytic lymphohistiocytosis (PMID: 2978935, 21674762, 28353193). In at least one individual the data is consistent with being in trans (on the opposite chromosome) from a pathogenic variant. This variant is not present in population databases (gnomAD no frequency). This sequence change affects a donor splice site in intron 28 of the UNC13D gene. It is expected to disrupt RNA splicing. Variants that disrupt the donor or acceptor splice site typically lead to a loss of protein function (PMID: 16199547), and loss-of-function variants in UNC13D are known to be pathogenic (PMID: 14622600).

Clinical laboratory, Wuhan Children’s Hospital, Tongji Medical College, Huazhong University of Science and Technology
Classification: Likely pathogenic for Familial hemophagocytic lymphohistiocytosis 3. Review status: no assertion criteria provided. Collection method: clinical testing, in vitro. Allele origin: inherited, not applicable. Inheritance: Autosomal recessive inheritance. Affected: yes. Observed: 1 variant allele, 1 compound heterozygote. Not counted in ClinVar's aggregate classification.
Comment: A known splicing mutation in UNC13D gene reported by Huang et al. in 2011 (DOI:10.1002/pbc.23216), considered to be able to cause splicing error of UNC13D.

Literature cited by the submitters: PubMed 2978935 (cited by Labcorp Genetics (formerly Invitae), Labcorp); PubMed 21674762 (cited by Labcorp Genetics (formerly Invitae), Labcorp); PubMed 28353193 (cited by Labcorp Genetics (formerly Invitae), Labcorp); PubMed 16199547 (cited by Labcorp Genetics (formerly Invitae), Labcorp); PubMed 14622600 (cited by Labcorp Genetics (formerly Invitae), Labcorp).

NM_199242.3(UNC13D):c.2709+1G>A

Genes: UNC13D (unc-13 homolog D; minus strand), LOC112533672 (Sharpr-MPRA regulatory region 1193; plus strand). Cytogenetic location: 17q25.1.
Variant type: single nucleotide variant.
Coding change: c.2709+1G>A on transcript NM_199242.3 (MANE Select); the canonical splice donor site of the intron after coding-DNA position 2709, G replaced by A.
Molecular consequence: splice donor variant.
Genome position (GRCh38, 1-based): chr17:75,830,577, C>T on the plus strand (G>A on the coding strand, the complement: UNC13D is on the minus strand). VCF-style: chr17-75830577-C-T. GRCh37 (hg19) VCF-style: chr17-73826658-C-T.
Identifiers: ClinVar variation 440834 (VCV000440834.7), dbSNP rs1555600214, ClinGen allele CA401080505.